The following is an entry in ClinVar:

NM_022095.4(ZNF335):c.3523_3524insGGCCCTG (p.Glu1175delinsGlyProTer)

Gene: ZNF335 (zinc finger protein 335; minus strand). Cytogenetic location: 20q13.12.
Variant type: Insertion.
Coding change: c.3523_3524insGGCCCTG on transcript NM_022095.4 (MANE Select); coding-DNA positions 3523 to 3524, GGCCCTG inserted.
Protein change: p.Glu1175delinsGlyProTer.
Molecular consequence: nonsense.
Genome position: GRCh38 VCF-style: chr20-45950033-T-TCAGGGCC. GRCh37 (hg19) VCF-style: chr20-44578672-T-TCAGGGCC.
Identifiers: ClinVar variation 3475354 (VCV003475354.1).

ClinVar aggregate classification (germline): Pathogenic (1 of 4 stars; one submission).

Conditions:
Inborn genetic diseases. Identifiers: MedGen C0950123, MeSH D030342.

Submission:

Ambry Genetics
Classification: Pathogenic for Inborn genetic diseases. Last evaluated: 2024-09-05. Review status: criteria provided, single submitter. Criteria: Ambry Variant Classification Scheme 2023. Collection method: clinical testing. Allele origin: germline.
Comment: The c.3523_3524insGGCCCTG (p.E1175Gfs*3) alteration, located in exon 23 (coding exon 22) of the ZNF335 gene, consists of an insertion of GGCCCTG at position 3523, causing a translational frameshift with a predicted alternate stop codon after 3 amino acids. This alteration is expected to result in loss of function by premature protein truncation or nonsense-mediated mRNA decay. This variant was not reported in population-based cohorts in the Genome Aggregation Database (gnomAD). Based on the available evidence, this alteration is classified as pathogenic.